The following is an entry in ClinVar:

ClinVar aggregate classification (germline): Uncertain significance. Review status: criteria provided, multiple submitters, no conflicts (2 of 4 stars). 2 submissions from 2 submitters: Uncertain significance (2). Last evaluated 2025-01-22.

Allele frequency attached by ClinVar (database versions not stated): gnomAD 0.00001; TOPMed 0.00004.
gnomAD v4.1: 23 of 1,469,842 alleles (0.0016%); highest among the groups gnomAD compares: Admixed American, 0.0022%; 1 homozygote.

Submissions (2):

Athena Diagnostics
Classification: Uncertain significance. Last evaluated: 2025-01-22. Review status: criteria provided, single submitter. Criteria: Athena Diagnostics Criteria. Collection method: clinical testing. Allele origin: unknown.
Comment: Available data are insufficient to determine the clinical significance of the variant at this time. The frequency of this variant in the general population is higher than would generally be expected for pathogenic variants in this gene. Polyphen and MutationTaster predict this amino acid change may be benign.

Blueprint Genetics
Classification: Uncertain significance. Last evaluated: 2023-12-28. Review status: criteria provided, single submitter. Criteria: ACMG Guidelines, 2015. Collection method: clinical testing. Allele origin: germline.

Literature cited by the submitters: PubMed 38891993 (cited by Athena Diagnostics).

NM_000144.5(FXN):c.97T>G (p.Leu33Val)

Genes: FXN (frataxin; plus strand), LOC130001862 (ATAC-STARR-seq lymphoblastoid silent region 19931; plus strand). Cytogenetic location: 9q21.11.
Variant type: single nucleotide variant.
Coding change: c.97T>G on transcript NM_000144.5 (MANE Select); coding-DNA position 97, T replaced by G.
Protein change: p.Leu33Val; replaces leucine 33 with valine.
Molecular consequence: missense variant.
Genome position (GRCh38, 1-based): chr9:69,035,879, T>G. VCF-style: chr9-69035879-T-G. GRCh37 (hg19) VCF-style: chr9-71650795-T-G.
Other names: c.97T>G, p.Leu33Val (NM_181425.3); short protein forms L33V.
Identifiers: ClinVar variation 1807182 (VCV001807182.3), dbSNP rs767135118, ClinGen allele CA5072643.